The following is an entry in ClinVar:

NM_001267052.2(UNC45B):c.1877C>G (p.Ala626Gly)

Gene: UNC45B (unc-45 myosin chaperone B; plus strand). Cytogenetic location: 17q12.
Variant type: single nucleotide variant.
Coding change: c.1877C>G on transcript NM_001267052.2 (MANE Select); coding-DNA position 1877, C replaced by G.
Protein change: p.Ala626Gly; replaces alanine 626 with glycine.
Molecular consequence: missense variant.
Genome position (GRCh38, 1-based): chr17:35,174,288, C>G. VCF-style: chr17-35174288-C-G. GRCh37 (hg19) VCF-style: chr17-33501307-C-G.
Other names: c.1877C>G, p.Ala626Gly (NM_001033576.2); c.1640C>G, p.Ala547Gly (NM_001308281.1); c.1883C>G, p.Ala628Gly (NM_173167.3); c.1883C>G (NM_173167.2); short protein forms A626G, A628G, A547G.
Identifiers: ClinVar variation 2081980 (VCV002081980.4), dbSNP rs780354757, ClinGen allele CA8501315.

ClinVar aggregate classification (germline): Uncertain significance. Review status: criteria provided, multiple submitters, no conflicts (2 of 4 stars). 2 submissions from 2 submitters: Uncertain significance (2). Last evaluated 2025-09-04.

Conditions:
Inborn genetic diseases. Identifiers: MedGen C0950123, MeSH D030342.

Allele frequency attached by ClinVar (database versions not stated): ExAC 0.00012.
gnomAD v4.1: 33 of 1,614,002 alleles (0.002%); highest among the groups gnomAD compares: Admixed American, 0.053%; no homozygotes.

Submissions (2):

Ambry Genetics
Classification: Uncertain significance for Inborn genetic diseases. Last evaluated: 2025-09-04. Review status: criteria provided, single submitter. Criteria: Ambry Variant Classification Scheme 2023. Collection method: clinical testing. Allele origin: germline.

Labcorp Genetics (formerly Invitae), Labcorp
Classification: Uncertain significance. Last evaluated: 2024-04-10. Review status: criteria provided, single submitter. Criteria: Invitae Variant Classification Sherloc (09022015). Collection method: clinical testing. Allele origin: germline.
Comment: This sequence change replaces alanine, which is neutral and non-polar, with glycine, which is neutral and non-polar, at codon 628 of the UNC45B protein (p.Ala628Gly). This variant is present in population databases (rs780354757, gnomAD 0.07%). This variant has not been reported in the literature in individuals affected with UNC45B-related conditions. ClinVar contains an entry for this variant (Variation ID: 2081980). Advanced modeling of protein sequence and biophysical properties (such as structural, functional, and spatial information, amino acid conservation, physicochemical variation, residue mobility, and thermodynamic stability) performed at Invitae indicates that this missense variant is expected to disrupt UNC45B protein function with a positive predictive value of 80%. In summary, the available evidence is currently insufficient to determine the role of this variant in disease. Therefore, it has been classified as a Variant of Uncertain Significance.